The following is an entry in ClinVar:

ClinVar aggregate classification (germline): Uncertain significance. Review status: criteria provided, multiple submitters, no conflicts (2 of 4 stars). 3 submissions from 3 submitters: Uncertain significance (3). Last evaluated 2025-10-29.

Conditions:
Hereditary cancer-predisposing syndrome. Also called: Neoplastic Syndromes, Hereditary; Tumor predisposition; Hereditary neoplastic syndrome; Hereditary Cancer Syndrome. Identifiers: Orphanet 140162, MedGen C0027672, MeSH D009386, MONDO:0015356.
Endometrial carcinoma. Also called: Endometrial carcinoma, somatic. Identifiers: MedGen C0476089, MONDO:0002447, OMIM 608089, HP:0012114.

Allele frequency attached by ClinVar (database versions not stated): gnomAD exomes below 0.00001.
gnomAD v4.1: 1 of 1,614,126 alleles (0.000062%); highest among the groups gnomAD compares: Non-Finnish European, 0.000085%; no homozygotes.

Submissions (3):

Labcorp Genetics (formerly Invitae), Labcorp
Classification: Uncertain significance. Last evaluated: 2025-10-29. Review status: criteria provided, single submitter. Criteria: Invitae Variant Classification Sherloc (09022015). Collection method: clinical testing. Allele origin: germline.
Comment: This sequence change replaces phenylalanine, which is neutral and non-polar, with valine, which is neutral and non-polar, at codon 608 of the MSH3 protein (p.Phe608Val). This variant is not present in population databases (gnomAD no frequency). This variant has not been reported in the literature in individuals affected with MSH3-related conditions. ClinVar contains an entry for this variant (Variation ID: 661647). An algorithm developed to predict the effect of missense changes on protein structure and function (PolyPhen-2) suggests that this variant is likely to be tolerated. In summary, the available evidence is currently insufficient to determine the role of this variant in disease. Therefore, it has been classified as a Variant of Uncertain Significance.

Ambry Genetics
Classification: Uncertain significance for Hereditary cancer-predisposing syndrome. Last evaluated: 2024-06-20. Review status: criteria provided, single submitter. Criteria: Ambry Variant Classification Scheme 2023. Collection method: clinical testing. Allele origin: germline.
Comment: The p.F608V variant (also known as c.1822T>G), located in coding exon 13 of the MSH3 gene, results from a T to G substitution at nucleotide position 1822. The phenylalanine at codon 608 is replaced by valine, an amino acid with highly similar properties. This amino acid position is conserved. In addition, the in silico prediction for this alteration is inconclusive. Based on the available evidence, the clinical significance of this variant remains unclear.

Baylor Genetics
Classification: Uncertain significance for Endometrial carcinoma. Last evaluated: 2024-03-29. Review status: criteria provided, single submitter. Criteria: ACMG Guidelines, 2015. Collection method: clinical testing. Allele origin: unknown.

NM_002439.5(MSH3):c.1822T>G (p.Phe608Val)

Gene: MSH3 (mutS homolog 3; plus strand). Cytogenetic location: 5q14.1.
Variant type: single nucleotide variant.
Coding change: c.1822T>G on transcript NM_002439.5 (MANE Select); coding-DNA position 1822, T replaced by G.
Protein change: p.Phe608Val; replaces phenylalanine 608 with valine.
Molecular consequence: missense variant.
Genome position (GRCh38, 1-based): chr5:80,761,604, T>G. VCF-style: chr5-80761604-T-G. GRCh37 (hg19) VCF-style: chr5-80057423-T-G.
Other names: c.1822T>G (NM_002439.3); short protein forms F608V.
Identifiers: ClinVar variation 661647 (VCV000661647.10), dbSNP rs1580027554, ClinGen allele CA360276584.